The following is an entry in ClinVar:

NM_000540.3(RYR1):c.7835+5_7835+21del

Gene: RYR1 (ryanodine receptor 1; plus strand). Cytogenetic location: 19q13.2.
Variant type: Deletion.
Coding change: c.7835+5_7835+21del on transcript NM_000540.3 (MANE Select); bases 5 to 21 of the intron after coding-DNA position 7835, 17 bases deleted (AGCGGGGCAGGCTTCAG).
Molecular consequence: intron variant.
Genome position (GRCh38, 1-based): chr19:38,502,732-38,502,748, AGCGGGGCAGGCTTCAG deleted; deleting any 17 consecutive bases within chr19:38,502,731-38,502,748 gives the same sequence; the c. name uses the placement nearest the transcript's 3' end. VCF-style (leftmost placement, unchanged base first): chr19-38502730-GGAGCGGGGCAGGCTTCA-G. GRCh37 (hg19) VCF-style: chr19-38993370-GGAGCGGGGCAGGCTTCA-G.
Other names: c.7835+5_7835+21del (NM_001042723.2).
Identifiers: ClinVar variation 4804977 (VCV004804977.1).

ClinVar aggregate classification (germline): Uncertain significance (1 of 4 stars; one submission).

Conditions:
RYR1-related disorder. Also called: RYR1-related condition; RYR1-related disorders. Identifiers: MedGen CN239331.

Submission:

Labcorp Genetics (formerly Invitae), Labcorp
Classification: Uncertain significance for RYR1-related disorder. Last evaluated: 2025-03-06. Review status: criteria provided, single submitter. Criteria: Invitae Variant Classification Sherloc (09022015). Collection method: clinical testing. Allele origin: germline.
Comment: This sequence change falls in intron 48 of the RYR1 gene. It does not directly change the encoded amino acid sequence of the RYR1 protein. It affects a nucleotide within the consensus splice site. This variant is not present in population databases (gnomAD no frequency). This variant has not been reported in the literature in individuals affected with RYR1-related conditions. Variants that disrupt the consensus splice site are a relatively common cause of aberrant splicing (PMID: 17576681, 9536098). In summary, the available evidence is currently insufficient to determine the role of this variant in disease. Therefore, it has been classified as a Variant of Uncertain Significance.

Literature cited by the submitters: PubMed 17576681; PubMed 9536098.